The following is an entry in ClinVar:

NM_144599.5(NIPA1):c.511A>T (p.Met171Leu)

Gene: NIPA1 (NIPA magnesium transporter 1; plus strand). Cytogenetic location: 15q11.2.
Variant type: single nucleotide variant.
Coding change: c.511A>T on transcript NM_144599.5 (MANE Select); coding-DNA position 511, A replaced by T.
Protein change: p.Met171Leu; replaces methionine 171 with leucine.
Molecular consequence: missense variant.
Genome position (GRCh38, 1-based): chr15:22,823,760, A>T. VCF-style: chr15-22823760-A-T. GRCh37 (hg19) VCF-style: chr15-23049308-T-A.
Other names: c.286A>T, p.Met96Leu (NM_001142275.1); short protein forms M96L, M171L.
Identifiers: ClinVar variation 1442067 (VCV001442067.8), dbSNP rs762651676, ClinGen allele CA7426054.
Genomic context (GRCh38, chr15:22,823,760, plus strand): 5'-GGGTGACTGTGTGCTGTCTGTGTTCCAGTGTTTGTGGGCTACCTGTGCATCGTGCTGCTC[A>T]TGCTGCTGCTGCTCATCTTCTGGATCGCGCCGGCCCATGGGCCCACCAACATCATGGTCT-3'
Protein context (NP_653200.2, residues 161-181): FVGYLCIVLL[Met171Leu]LLLLIFWIAP

ClinVar aggregate classification (germline): Uncertain significance. Review status: criteria provided, multiple submitters, no conflicts (2 of 4 stars). 2 submissions from 2 submitters: Uncertain significance (2). Last evaluated 2025-04-17.

Conditions:
Hereditary spastic paraplegia 6 (SPG6). Also called: SPASTIC PARAPLEGIA 6, AUTOSOMAL DOMINANT. Identifiers: Orphanet 100988, MedGen C1838192, MONDO:0010878, OMIM 600363.

Allele frequency attached by ClinVar (database versions not stated): TOPMed 0.00001.

Submissions (2):

Women's Health and Genetics/Laboratory Corporation of America, LabCorp
Classification: Uncertain significance. Last evaluated: 2025-04-17. Review status: criteria provided, single submitter. Criteria: LabCorp Variant Classification Summary - May 2015. Collection method: clinical testing. Allele origin: germline.
Comment: Variant summary: NIPA1 c.511A>T (p.Met171Leu) results in a conservative amino acid change in the encoded protein sequence. Three of four in-silico tools predict a benign effect of the variant on protein function. The variant allele was found at a frequency of 8.1e-06 in 247060 control chromosomes. The available data on variant occurrences in the general population are insufficient to allow any conclusion about variant significance. To our knowledge, no occurrence of c.511A>T in individuals affected with Hereditary Spastic Paraplegia 6 and no experimental evidence demonstrating its impact on protein function have been reported. ClinVar contains an entry for this variant (Variation ID: 1442067). Based on the evidence outlined above, the variant was classified as uncertain significance.

Labcorp Genetics (formerly Invitae), Labcorp
Classification: Uncertain significance for Hereditary spastic paraplegia 6. Last evaluated: 2021-09-15. Review status: criteria provided, single submitter. Criteria: Invitae Variant Classification Sherloc (09022015). Collection method: clinical testing. Allele origin: germline.
Comment: In summary, the available evidence is currently insufficient to determine the role of this variant in disease. Therefore, it has been classified as a Variant of Uncertain Significance. Algorithms developed to predict the effect of missense changes on protein structure and function (SIFT, PolyPhen-2, Align-GVGD) all suggest that this variant is likely to be tolerated. This variant has not been reported in the literature in individuals affected with NIPA1-related conditions. This variant is present in population databases (rs762651676, ExAC 0.01%). This sequence change replaces methionine with leucine at codon 171 of the NIPA1 protein (p.Met171Leu). The methionine residue is moderately conserved and there is a small physicochemical difference between methionine and leucine.